The following is an entry in ClinVar:

ClinVar aggregate classification (germline): Conflicting classifications of pathogenicity. Review status: criteria provided, conflicting classifications (1 of 4 stars). 2 submissions from 2 submitters: Likely pathogenic (1); Uncertain significance (1). Last evaluated 2025-12-09.

Conditions:
Early-infantile DEE. Also called: Ohtahara syndrome; Early infantile epileptic encephalopathy; Early infantile epileptic encephalopathy with suppression bursts. Identifiers: Orphanet 1934, MedGen C0393706, MONDO:0800491.

Submissions (2):

Labcorp Genetics (formerly Invitae), Labcorp
Classification: Likely pathogenic for Early-infantile DEE. Last evaluated: 2025-12-09. Review status: criteria provided, single submitter. Criteria: Invitae Variant Classification Sherloc (09022015). Collection method: clinical testing. Allele origin: germline.
Comment: This sequence change replaces tyrosine, which is neutral and polar, with cysteine, which is neutral and slightly polar, at codon 1508 of the SCN1A protein (p.Tyr1508Cys). This variant is not present in population databases (gnomAD no frequency). This missense change has been observed in individual(s) with autosomal dominant SCN1A-related conditions (internal data). ClinVar contains an entry for this variant (Variation ID: 1302161). Invitae Evidence Modeling of protein sequence and biophysical properties (such as structural, functional, and spatial information, amino acid conservation, physicochemical variation, residue mobility, and thermodynamic stability) indicates that this missense variant is expected to disrupt SCN1A protein function with a positive predictive value of 95%. This variant disrupts the p.Tyr1508 amino acid residue in SCN1A. Other variant(s) that disrupt this residue have been determined to be pathogenic (PMID: 34365615). This suggests that this residue is clinically significant, and that variants that disrupt this residue are likely to be disease-causing. In summary, the currently available evidence indicates that the variant is pathogenic, but additional data are needed to prove that conclusively. Therefore, this variant has been classified as Likely Pathogenic.

GeneDx
Classification: Uncertain significance. Last evaluated: 2019-06-24. Review status: criteria provided, single submitter. Criteria: GeneDx Variant Classification Process June 2021. Collection method: clinical testing. Allele origin: germline. Affected: yes.
Comment: Not observed in large population cohorts (Lek et al., 2016); The majority of missense variants in this gene are considered pathogenic (Stenson et al., 2014); In silico analysis, which includes protein predictors and evolutionary conservation, supports a deleterious effect; Has not been previously published as pathogenic or benign to our knowledge

Literature cited by the submitters: PubMed 34365615 (cited by Labcorp Genetics (formerly Invitae), Labcorp).

NM_001165963.4(SCN1A):c.4523A>G (p.Tyr1508Cys)

Genes: SCN1A (sodium voltage-gated channel alpha subunit 1; minus strand), LOC102724058 (uncharacterized LOC102724058; plus strand). Cytogenetic location: 2q24.3.
Variant type: single nucleotide variant.
Coding change: c.4523A>G on transcript NM_001165963.4 (MANE Select); coding-DNA position 4523, A replaced by G.
Protein change: p.Tyr1508Cys; replaces tyrosine 1508 with cysteine.
Molecular consequence: missense variant. On other transcripts: non-coding transcript variant (1).
Genome position (GRCh38, 1-based): chr2:165,996,071, T>C on the plus strand (A>G on the coding strand, the complement: SCN1A is on the minus strand). VCF-style: chr2-165996071-T-C. GRCh37 (hg19) VCF-style: chr2-166852581-T-C.
Other names: c.4439A>G, p.Tyr1480Cys (NM_001165964.3, NM_001353957.2, NM_001353958.2); c.4523A>G, p.Tyr1508Cys (NM_001202435.3, NM_001353948.2); c.4490A>G, p.Tyr1497Cys (NM_001353949.2, NM_001353950.2, NM_001353951.2 and 2 more transcripts); c.4487A>G, p.Tyr1496Cys (NM_001353954.2, NM_001353955.2); c.4436A>G, p.Tyr1479Cys (NM_001353960.2); c.2081A>G, p.Tyr694Cys (NM_001353961.2); short protein forms Y1479C, Y1480C, Y1496C, Y1497C, Y1508C, Y694C.
Identifiers: ClinVar variation 1302161 (VCV001302161.6), dbSNP rs2105462218, ClinGen allele CA349048717.